The following is an entry in ClinVar:

ClinVar aggregate classification (germline): Benign/Likely benign. Review status: criteria provided, multiple submitters, no conflicts (2 of 4 stars). 3 submissions from 3 submitters: Benign (1); Likely benign (2). Last evaluated 2025-01-06.

Conditions:
Hereditary cancer-predisposing syndrome. Also called: Neoplastic Syndromes, Hereditary; Tumor predisposition; Hereditary Cancer Syndrome; Hereditary neoplastic syndrome. Identifiers: Orphanet 140162, MedGen C0027672, MeSH D009386, MONDO:0015356.
Lynch syndrome 5 (LYNCH5). Also called: Hereditary non-polyposis colorectal cancer, type 5; Colorectal cancer, hereditary nonpolyposis, type 5. Identifiers: Orphanet 144, MedGen C1833477, MONDO:0013710, OMIM 614350. Disease mechanism: loss of function.

Submissions (3):

Myriad Genetics, Inc.
Classification: Benign for Lynch syndrome 5. Last evaluated: 2025-01-06. Review status: criteria provided, single submitter. Criteria: Myriad Autosomal Dominant, Autosomal Recessive and X-Linked Classification Criteria (2023). Collection method: clinical testing. Allele origin: unknown.
Comment: This variant is considered benign. This variant is a silent/synonymous amino acid change and it is not expected to impact splicing.

Color Diagnostics, LLC DBA Color Health
Classification: Likely benign for Hereditary cancer-predisposing syndrome. Last evaluated: 2022-12-24. Review status: criteria provided, single submitter. Criteria: ACMG Guidelines, 2015. Collection method: clinical testing. Allele origin: germline.

Ambry Genetics
Classification: Likely benign for Hereditary cancer-predisposing syndrome. Last evaluated: 2022-06-13. Review status: criteria provided, single submitter. Criteria: Ambry Variant Classification Scheme 2023. Collection method: clinical testing. Allele origin: germline.

NM_000179.3(MSH6):c.3357A>G (p.Glu1119=)

Gene: MSH6 (mutS homolog 6; plus strand). Cytogenetic location: 2p16.3.
Variant type: single nucleotide variant.
Coding change: c.3357A>G on transcript NM_000179.3 (MANE Select); coding-DNA position 3357, A replaced by G.
Protein change: p.Glu1119=; no amino-acid change (glutamic acid 1119 retained).
Molecular consequence: synonymous variant. On other transcripts: non-coding transcript variant (5).
Genome position (GRCh38, 1-based): chr2:47,803,604, A>G. VCF-style: chr2-47803604-A-G. GRCh37 (hg19) VCF-style: chr2-48030743-A-G.
Other names: c.2967A>G, p.Glu989= (NM_001281492.2); c.2451A>G, p.Glu817= (NM_001281493.2, NM_001281494.2, NM_001406811.1 and 6 more transcripts); c.3453A>G, p.Glu1151= (NM_001406795.1, NM_001406802.1); c.3357A>G, p.Glu1119= (NM_001406796.1, NM_001406800.1, NM_001406808.1 and 1 more transcripts); c.3060A>G, p.Glu1020= (NM_001406797.1, NM_001406801.1, NM_001406805.1 and 10 more transcripts); c.3183A>G, p.Glu1061= (NM_001406798.1); c.2832A>G, p.Glu944= (NM_001406799.1, NM_001406806.1, NM_001406807.1); c.2493A>G, p.Glu831= (NM_001406803.1); and 7 more.
Identifiers: ClinVar variation 1730554 (VCV001730554.5), dbSNP rs1461013021, ClinGen allele CA426122005.
Genomic context (GRCh38, chr2:47,803,604, plus strand): 5'-TACGAAGACTTTTTTTGGAGATGATTTTATTCCTAATGACATTCTAATAGGCTGTGAGGA[A>G]GAGGAGCAGGAAAATGGCAAAGCCTATTGTGTGCTTGTTACTGGACCAAATATGGGGGGC-3'
Protein context (NP_000170.1, residues 1109-1129): IPNDILIGCE[Glu1119=]EEQENGKAYC